The following is an entry in ClinVar:

ClinVar aggregate classification (germline): Conflicting classifications of pathogenicity. Review status: criteria provided, conflicting classifications (1 of 4 stars). 10 submissions from 10 submitters: Uncertain significance (8); Likely benign (1). 1 of the submissions does not count toward it. Last evaluated 2025-12-21.

Conditions:
Lymphangiomyomatosis (LAM). Also called: Lymphangioleiomyomatosis; Lymphangioleiomyomatosis, somatic. Identifiers: Orphanet 538, MedGen C0751674, MONDO:0011705, OMIM 606690.
Tuberous sclerosis 2 (TSC2). Identifiers: Orphanet 805, MedGen C1860707, MONDO:0013199, OMIM 613254.
Isolated focal cortical dysplasia type II (FCORD2). Also called: CORTICAL DYSPLASIA OF TAYLOR; Focal cortical dysplasia type II. Identifiers: Orphanet 268994, MedGen C1846385, MONDO:0011818, OMIM 607341, HP:0032051.
Tuberous sclerosis syndrome (TSC). Also called: Tuberous Sclerosis Complex; Tuberous sclerosis. Identifiers: Orphanet 805, MedGen C0041341, MONDO:0001734.
Hereditary cancer-predisposing syndrome. Also called: Neoplastic Syndromes, Hereditary; Tumor predisposition; Hereditary Cancer Syndrome; Hereditary neoplastic syndrome. Identifiers: Orphanet 140162, MedGen C0027672, MeSH D009386, MONDO:0015356.

Allele frequency attached by ClinVar (database versions not stated): gnomAD exomes below 0.00001; gnomAD 0.00001; TOPMed 0.00002.
gnomAD v4.1: 4 of 1,613,916 alleles (0.00025%); highest among the groups gnomAD compares: African/African-American, 0.004%; no homozygotes.

Submissions (10):

Labcorp Genetics (formerly Invitae), Labcorp
Classification: Likely benign for Tuberous sclerosis 2. Last evaluated: 2025-12-21. Review status: criteria provided, single submitter. Criteria: Invitae Variant Classification Sherloc (09022015). Collection method: clinical testing. Allele origin: germline.

Ambry Genetics
Classification: Uncertain significance for Hereditary cancer-predisposing syndrome. Last evaluated: 2025-05-20. Review status: criteria provided, single submitter. Criteria: Ambry Variant Classification Scheme 2023. Collection method: clinical testing. Allele origin: germline.
Comment: The p.E216K variant (also known as c.646G>A), located in coding exon 6 of the TSC2 gene, results from a G to A substitution at nucleotide position 646. The glutamic acid at codon 216 is replaced by lysine, an amino acid with similar properties. This amino acid position is highly conserved in available vertebrate species. Functional analysis of this variant showed results comparable to wild type TSC2 (Hoogeveen-Westerveld M et al. Hum. Mutat., 2011 Apr;32:424-35). In addition, this alteration is predicted to be deleterious by in silico analysis. Since supporting evidence is limited at this time, the clinical significance of this alteration remains unclear.

Quest Diagnostics Nichols Institute San Juan Capistrano
Classification: Uncertain significance. Last evaluated: 2024-10-07. Review status: criteria provided, single submitter. Criteria: Quest Diagnostics criteria. Collection method: clinical testing. Allele origin: unknown.
Comment: The TSC2 c.646G>A (p.Glu216Lys) variant has not been reported in individuals with TSC2-related conditions in the published literature. A functional study characterized this variant as being probably neutral (PMID: 21309039 (2011)). The frequency of this variant in the general population, 0.000032 (1/31398 chromosomes (Genome Aggregation Database)), is uninformative in the assessment of its pathogenicity. Analysis of this variant using bioinformatics tools for the prediction of the effect of amino acid changes on protein structure and function yielded predictions that this variant is damaging. Based on the available information, we are unable to determine the clinical significance of this variant.

All of Us Research Program, National Institutes of Health
Classification: Uncertain significance for Tuberous sclerosis syndrome. Last evaluated: 2023-10-02. Review status: criteria provided, single submitter. Criteria: ACMG Guidelines, 2015. Collection method: clinical testing. Allele origin: germline. Inheritance: Autosomal dominant inheritance. Observed: 1 variant allele, 1 heterozygote.
Comment: This study involves interpretation of variants in research participants for the purpose of population health screening. Participant phenotype was not available at the time of variant classification. Additional details can be found in publication PMID: 35346344, PMCID: PMC8962531

Baylor Genetics
Classification: Uncertain significance for Isolated focal cortical dysplasia type II. Last evaluated: 2023-09-25. Review status: criteria provided, single submitter. Criteria: ACMG Guidelines, 2015. Collection method: clinical testing. Allele origin: unknown.

Revvity Omics, Revvity
Classification: Uncertain significance for Tuberous sclerosis 2. Last evaluated: 2023-08-10. Review status: criteria provided, single submitter. Criteria: ACMG Guidelines, 2015. Collection method: clinical testing. Allele origin: germline.

Fulgent Genetics
Classification: Uncertain significance for Lymphangiomyomatosis; Isolated focal cortical dysplasia type II; Tuberous sclerosis 2. Last evaluated: 2021-12-27. Review status: criteria provided, single submitter. Criteria: ACMG Guidelines, 2015. Collection method: clinical testing. Allele origin: unknown.

Genome-Nilou Lab
Classification: Uncertain significance for Tuberous sclerosis 2. Last evaluated: 2021-11-07. Review status: criteria provided, single submitter. Criteria: ACMG Guidelines, 2015. Collection method: clinical testing. Allele origin: germline. Affected: no.

St. Jude Molecular Pathology, St. Jude Children's Research Hospital
Classification: Uncertain significance for Tuberous sclerosis syndrome. Last evaluated: 2021-08-03. Review status: criteria provided, single submitter. Criteria: St. Jude Assertion Criteria 2020. Collection method: clinical testing. Allele origin: germline.

Tuberous sclerosis database (TSC2)
No classification provided. Condition: TSC. Review status: no classification provided. Criteria: Tuberous Sclerosis Database Assertion Criteria 2015. Collection method: curation. Allele origin: germline. Affected: yes. Not counted in ClinVar's aggregate classification.

Literature cited by the submitters: PubMed 21309039 (cited by Ambry Genetics and Quest Diagnostics Nichols Institute San Juan Capistrano).

NM_000548.5(TSC2):c.646G>A (p.Glu216Lys)

Gene: TSC2 (TSC complex subunit 2; plus strand). Cytogenetic location: 16p13.3.
Variant type: single nucleotide variant.
Coding change: c.646G>A on transcript NM_000548.5 (MANE Select); coding-DNA position 646, G replaced by A.
Protein change: p.Glu216Lys; replaces glutamic acid 216 with lysine.
Molecular consequence: missense variant.
Genome position (GRCh38, 1-based): chr16:2,056,242, G>A. VCF-style: chr16-2056242-G-A. GRCh37 (hg19) VCF-style: chr16-2106243-G-A.
Other names: c.646G>A, p.Glu216Lys (NM_001077183.3, NM_001114382.3, NM_001363528.2 and 3 more transcripts); c.535G>A, p.Glu179Lys (NM_001318827.2); c.499G>A, p.Glu167Lys (NM_001318829.2); c.46G>A, p.Glu16Lys (NM_001318831.2); c.679G>A, p.Glu227Lys (NM_001318832.2); short protein forms E216K, E179K, E167K, E16K, E227K.
Identifiers: ClinVar variation 49379 (VCV000049379.22), dbSNP rs45517118, ClinGen allele CA022720.